The following is an entry in ClinVar:

NM_005751.5(AKAP9):c.11495G>A (p.Arg3832His)

Gene: AKAP9 (A-kinase anchoring protein 9; plus strand). Cytogenetic location: 7q21.2.
Variant type: single nucleotide variant.
Coding change: c.11495G>A on transcript NM_005751.5 (MANE Select); coding-DNA position 11495, G replaced by A.
Protein change: p.Arg3832His; replaces arginine 3832 with histidine.
Molecular consequence: missense variant.
Genome position (GRCh38, 1-based): chr7:92,107,371, G>A. VCF-style: chr7-92107371-G-A. GRCh37 (hg19) VCF-style: chr7-91736685-G-A.
Other names: c.6140G>A, p.Arg2047His (NM_001379277.1); c.11471G>A, p.Arg3824His (NM_147185.3); short protein forms R3832H, R3824H, R2047H.
Identifiers: ClinVar variation 519243 (VCV000519243.16), dbSNP rs781296769, ClinGen allele CA4338214.

ClinVar aggregate classification (germline): Conflicting classifications of pathogenicity. Review status: criteria provided, conflicting classifications (1 of 4 stars). 3 submissions from 3 submitters: Uncertain significance (1); Likely benign (2). Last evaluated 2026-02-01.

Conditions:
Cardiovascular phenotype. Identifiers: MedGen CN230736.
Long QT syndrome (LQTS). Identifiers: MedGen C0023976, MeSH D008133, MONDO:0002442. Disease mechanism: loss of function. Inheritance: Various modes of inheritance.

Allele frequency attached by ClinVar (database versions not stated): gnomAD 0.00003 and 0.00004; TOPMed 0.00003; gnomAD exomes 0.00007 and 0.00005; ExAC 0.00007.
gnomAD v4.1: 76 of 1,613,448 alleles (0.0047%); highest among the groups gnomAD compares: South Asian, 0.035%; no homozygotes.

Submissions (3):

CeGaT Center for Human Genetics Tuebingen
Classification: Likely benign. Last evaluated: 2026-02-01. Review status: criteria provided, single submitter. Criteria: CeGaT Center For Human Genetics Tuebingen Variant Classification Criteria Version 2. Collection method: clinical testing. Allele origin: germline. Affected: yes. Observed: 1 variant allele.
Comment: AKAP9: BP4, BS2

Labcorp Genetics (formerly Invitae), Labcorp
Classification: Uncertain significance for Long QT syndrome. Last evaluated: 2025-02-06. Review status: criteria provided, single submitter. Criteria: Invitae Variant Classification Sherloc (09022015). Collection method: clinical testing. Allele origin: germline.
Comment: This sequence change replaces arginine, which is basic and polar, with histidine, which is basic and polar, at codon 3832 of the AKAP9 protein (p.Arg3832His). This variant is present in population databases (rs781296769, gnomAD 0.04%). This variant has not been reported in the literature in individuals affected with AKAP9-related conditions. ClinVar contains an entry for this variant (Variation ID: 519243). An algorithm developed to predict the effect of missense changes on protein structure and function (PolyPhen-2) suggests that this variant is likely to be disruptive. In summary, the available evidence is currently insufficient to determine the role of this variant in disease. Therefore, it has been classified as a Variant of Uncertain Significance.

Ambry Genetics
Classification: Likely benign for Cardiovascular phenotype. Last evaluated: 2022-10-30. Review status: criteria provided, single submitter. Criteria: Ambry Variant Classification Scheme 2023. Collection method: clinical testing. Allele origin: germline.